The following is an entry in ClinVar:

NM_002474.3(MYH11):c.3625A>C (p.Thr1209Pro)

Gene: MYH11 (myosin heavy chain 11; minus strand). Cytogenetic location: 16p13.11.
Variant type: single nucleotide variant.
Coding change: c.3625A>C on transcript NM_002474.3 (MANE Select); coding-DNA position 3625, A replaced by C.
Protein change: p.Thr1209Pro; replaces threonine 1209 with proline.
Molecular consequence: missense variant.
Genome position (GRCh38, 1-based): chr16:15,732,590, T>G on the plus strand (A>C on the coding strand, the complement: MYH11 is on the minus strand). VCF-style: chr16-15732590-T-G. GRCh37 (hg19) VCF-style: chr16-15826447-T-G.
Other names: c.3646A>C, p.Thr1216Pro (NM_001040113.2, NM_001040114.2); c.3625A>C, p.Thr1209Pro (NM_022844.3); short protein forms T1216P, T1209P.
Identifiers: ClinVar variation 1733362 (VCV001733362.2), dbSNP rs2506170339, ClinGen allele CA394861027.

ClinVar aggregate classification (germline): Uncertain significance (1 of 4 stars; one submission).

Conditions:
Familial thoracic aortic aneurysm and aortic dissection (TAAD). Also called: Thoracic aortic aneurysms and dissections. Identifiers: Orphanet 91387, MedGen C4707243, MONDO:0019625.

Submission:

Ambry Genetics
Classification: Uncertain significance for Familial thoracic aortic aneurysm and aortic dissection. Last evaluated: 2018-04-09. Review status: criteria provided, single submitter. Criteria: Ambry Variant Classification Scheme 2023. Collection method: clinical testing. Allele origin: germline.
Comment: The p.T1209P variant (also known as c.3625A>C), located in coding exon 26 of the MYH11 gene, results from an A to C substitution at nucleotide position 3625. The threonine at codon 1209 is replaced by proline, an amino acid with highly similar properties. This amino acid position is not well conserved in available vertebrate species. In addition, the in silico prediction for this alteration is inconclusive. Since supporting evidence is limited at this time, the clinical significance of this alteration remains unclear.